The following is an entry in ClinVar:

ClinVar aggregate classification (germline): Conflicting classifications of pathogenicity. Review status: criteria provided, conflicting classifications (1 of 4 stars). 2 submissions from 2 submitters: Uncertain significance (1); Likely benign (1). Last evaluated 2025-01-08.

Conditions:
Oto-palato-digital syndrome, type II (OPD2). Also called: FACIOPALATOOSSEOUS SYNDROME; OPD II SYNDROME; Otopalatodigital Syndrome, Type II; Otopalatodigital Syndrome Type 2 (FLNA-OPD2). Identifiers: Orphanet 669, Orphanet 90652, MedGen C1844696, MONDO:0010571, OMIM 304120.
Heterotopia, periventricular, X-linked dominant (PVNH1). Also called: X-linked periventricular heterotopia; PERIVENTRICULAR NODULAR HETEROTOPIA 4; HETEROTOPIA, PERIVENTRICULAR, 1; PERIVENTRICULAR NODULAR HETEROTOPIA 1. Identifiers: Orphanet 2149, Orphanet 82004, MedGen C1848213, MONDO:0010233, OMIM 300049.
Melnick-Needles syndrome (MNS). Also called: MELNICK-NEEDLES OSTEODYSPLASTY; OSTEODYSPLASTY OF MELNICK AND NEEDLES; Melnick-Needles Syndrome (FLNA-MNS). Identifiers: Orphanet 2484, MedGen C0025237, MONDO:0010650, OMIM 309350.
Frontometaphyseal dysplasia (FMD1). Identifiers: Orphanet 1826, MedGen C0265293, MONDO:0015942.

Submissions (2):

Labcorp Genetics (formerly Invitae), Labcorp
Classification: Uncertain significance for Oto-palato-digital syndrome, type II; Heterotopia, periventricular, X-linked dominant; Frontometaphyseal dysplasia; Melnick-Needles syndrome. Last evaluated: 2025-01-08. Review status: criteria provided, single submitter. Criteria: Invitae Variant Classification Sherloc (09022015). Collection method: clinical testing. Allele origin: germline.
Comment: This sequence change falls in intron 3 of the FLNA gene. It does not directly change the encoded amino acid sequence of the FLNA protein. It affects a nucleotide within the consensus splice site. This variant is not present in population databases (gnomAD no frequency). This variant has not been reported in the literature in individuals affected with FLNA-related conditions. ClinVar contains an entry for this variant (Variation ID: 1008135). Variants that disrupt the consensus splice site are a relatively common cause of aberrant splicing (PMID: 17576681, 9536098). Algorithms developed to predict the effect of sequence changes on RNA splicing suggest that this variant is not likely to affect RNA splicing. In summary, the available evidence is currently insufficient to determine the role of this variant in disease. Therefore, it has been classified as a Variant of Uncertain Significance.

Blueprint Genetics
Classification: Likely benign. Last evaluated: 2023-11-01. Review status: criteria provided, single submitter. Criteria: ACMG Guidelines, 2015. Collection method: clinical testing. Allele origin: germline.

Literature cited by the submitters: PubMed 17576681 (cited by Labcorp Genetics (formerly Invitae), Labcorp); PubMed 9536098 (cited by Labcorp Genetics (formerly Invitae), Labcorp).

NM_001110556.2(FLNA):c.622+6G>A

Gene: FLNA (filamin A; minus strand). Cytogenetic location: Xq28.
Variant type: single nucleotide variant.
Coding change: c.622+6G>A on transcript NM_001110556.2 (MANE Select); 6 bases into the intron after coding-DNA position 622, G replaced by A.
Molecular consequence: intron variant.
Genome position (GRCh38, 1-based): chrX:154,367,836, C>T on the plus strand (G>A on the coding strand, the complement: FLNA is on the minus strand). VCF-style: chrX-154367836-C-T. GRCh37 (hg19) VCF-style: chrX-153596204-C-T.
Other names: c.622+6G>A (NM_001456.4).
Identifiers: ClinVar variation 1008135 (VCV001008135.11), dbSNP rs2067774543, ClinGen allele CA2466659038.